The following is an entry in ClinVar:

ClinVar aggregate classification (germline): Uncertain significance (1 of 4 stars; one submission).

Submission:

Labcorp Genetics (formerly Invitae), Labcorp
Classification: Uncertain significance. Last evaluated: 2024-10-24. Review status: criteria provided, single submitter. Criteria: Invitae Variant Classification Sherloc (09022015). Collection method: clinical testing. Allele origin: germline.
Comment: This sequence change replaces serine, which is neutral and polar, with leucine, which is neutral and non-polar, at codon 93 of the NKX3-2 protein (p.Ser93Leu). This variant is not present in population databases (gnomAD no frequency). This variant has not been reported in the literature in individuals affected with NKX3-2-related conditions. ClinVar contains an entry for this variant (Variation ID: 1476058). Invitae Evidence Modeling of protein sequence and biophysical properties (such as structural, functional, and spatial information, amino acid conservation, physicochemical variation, residue mobility, and thermodynamic stability) indicates that this missense variant is not expected to disrupt NKX3-2 protein function with a negative predictive value of 80%. In summary, the available evidence is currently insufficient to determine the role of this variant in disease. Therefore, it has been classified as a Variant of Uncertain Significance.

NM_001189.4(NKX3-2):c.278C>T (p.Ser93Leu)

Gene: NKX3-2 (NK3 homeobox 2; minus strand). Cytogenetic location: 4p15.33.
Variant type: single nucleotide variant.
Coding change: c.278C>T on transcript NM_001189.4 (MANE Select); coding-DNA position 278, C replaced by T.
Protein change: p.Ser93Leu; replaces serine 93 with leucine.
Molecular consequence: missense variant.
Genome position (GRCh38, 1-based): chr4:13,544,137, G>A on the plus strand (C>T on the coding strand, the complement: NKX3-2 is on the minus strand). VCF-style: chr4-13544137-G-A. GRCh37 (hg19) VCF-style: chr4-13545761-G-A.
Other names: short protein forms S93L.
Identifiers: ClinVar variation 1476058 (VCV001476058.6), dbSNP rs764167403, ClinGen allele CA356377688.
Genomic context (GRCh38, chr4:13,544,137, plus strand): 5'-GCCCCCCGCGCGTCCGCGCAGCGCCGCCTGCTCTCGTTCTCCTCGCTGAGCGCGGAGTCC[G>A]AGTCCCAGCCTTCCGGGCTCTCCGCAGTCCGCCCCGCAGCTGTTCTGGTACCGGCAGGAG-3'
Protein context (NP_001180.1, residues 83-103): RTAESPEGWD[Ser93Leu]DSALSEENES